The following is an entry in ClinVar:

NM_004614.5(TK2):c.721A>G (p.Met241Val)

Gene: TK2 (thymidine kinase 2; minus strand). Cytogenetic location: 16q21.
Variant type: single nucleotide variant.
Coding change: c.721A>G on transcript NM_004614.5 (MANE Select); coding-DNA position 721, A replaced by G.
Protein change: p.Met241Val; replaces methionine 241 with valine.
Molecular consequence: missense variant. On other transcripts: 3 prime UTR variant (1), non-coding transcript variant (1).
Genome position (GRCh38, 1-based): chr16:66,512,045, T>C on the plus strand (A>G on the coding strand, the complement: TK2 is on the minus strand). VCF-style: chr16-66512045-T-C. GRCh37 (hg19) VCF-style: chr16-66545948-T-C.
Other names: c.628A>G, p.Met210Val (NM_001172643.1); c.646A>G, p.Met216Val (NM_001172644.2); c.667A>G, p.Met223Val (NM_001172645.2); c.574A>G, p.Met192Val (NM_001271934.2); c.*18A>G (NM_001271935.1); c.430A>G, p.Met144Val (NM_001272050.2); short protein forms M144V, M192V, M223V, M210V, M216V, M241V.
Identifiers: ClinVar variation 2866346 (VCV002866346.3), dbSNP rs2507068197, ClinGen allele CA396186724.
Genomic context (GRCh38, chr16:66,512,045, plus strand): 5'-GATTCTCTGGAGTTAATATTCGATCCCGATTTTGTTCAAAGAGTTCTAACATCCTCTCCA[T>C]GTGGTGGTCAGCCTCAATCACCTGGAAATTAGACACATGGGTCACAAGGCTGCACTGACC-3'
Protein context (NP_004605.4, residues 231-251): PVLVIEADHH[Met241Val]ERMLELFEQN

ClinVar aggregate classification (germline): Uncertain significance (1 of 4 stars; one submission).

Allele frequency attached by ClinVar (database versions not stated): gnomAD exomes below 0.00001.
gnomAD v4.1: 4 of 1,614,158 alleles (0.00025%); highest among the groups gnomAD compares: Non-Finnish European, 0.00034%; no homozygotes.

Submission:

Labcorp Genetics (formerly Invitae), Labcorp
Classification: Uncertain significance. Last evaluated: 2024-10-22. Review status: criteria provided, single submitter. Criteria: Invitae Variant Classification Sherloc (09022015). Collection method: clinical testing. Allele origin: germline.
Comment: This sequence change replaces methionine, which is neutral and non-polar, with valine, which is neutral and non-polar, at codon 241 of the TK2 protein (p.Met241Val). This variant is not present in population databases (gnomAD no frequency). This variant has not been reported in the literature in individuals affected with TK2-related conditions. Invitae Evidence Modeling of protein sequence and biophysical properties (such as structural, functional, and spatial information, amino acid conservation, physicochemical variation, residue mobility, and thermodynamic stability) indicates that this missense variant is not expected to disrupt TK2 protein function with a negative predictive value of 95%. In summary, the available evidence is currently insufficient to determine the role of this variant in disease. Therefore, it has been classified as a Variant of Uncertain Significance.